The following is an entry in ClinVar:

ClinVar aggregate classification (germline): Uncertain significance (1 of 4 stars; one submission).

Submission:

Labcorp Genetics (formerly Invitae), Labcorp
Classification: Uncertain significance. Last evaluated: 2023-03-11. Review status: criteria provided, single submitter. Criteria: Invitae Variant Classification Sherloc (09022015). Collection method: clinical testing. Allele origin: germline.
Comment: In summary, the available evidence is currently insufficient to determine the role of this variant in disease. Therefore, it has been classified as a Variant of Uncertain Significance. Advanced modeling of protein sequence and biophysical properties (such as structural, functional, and spatial information, amino acid conservation, physicochemical variation, residue mobility, and thermodynamic stability) performed at Invitae indicates that this missense variant is not expected to disrupt OPA1 protein function. ClinVar contains an entry for this variant (Variation ID: 2099786). This variant has not been reported in the literature in individuals affected with OPA1-related conditions. This variant is not present in population databases (gnomAD no frequency). This sequence change replaces glutamic acid, which is acidic and polar, with glycine, which is neutral and non-polar, at codon 131 of the OPA1 protein (p.Glu131Gly).

NM_130837.3(OPA1):c.392A>G (p.Glu131Gly)

Gene: OPA1 (OPA1 mitochondrial dynamin like GTPase; plus strand). Cytogenetic location: 3q29.
Variant type: single nucleotide variant.
Coding change: c.392A>G on transcript NM_130837.3 (MANE Select); coding-DNA position 392, A replaced by G.
Protein change: p.Glu131Gly; replaces glutamic acid 131 with glycine.
Molecular consequence: missense variant.
Genome position (GRCh38, 1-based): chr3:193,615,714, A>G. VCF-style: chr3-193615714-A-G. GRCh37 (hg19) VCF-style: chr3-193333503-A-G.
Other names: c.20A>G, p.Glu7Gly (NM_001354663.2, NM_001354664.2); c.392A>G, p.Glu131Gly (NM_015560.3, NM_130831.3, NM_130832.3 and 4 more transcripts); short protein forms E131G, E7G.
Identifiers: ClinVar variation 2099786 (VCV002099786.4), dbSNP rs2474584764, ClinGen allele CA355787126.